The following is an entry in ClinVar:

NM_016148.5(SHANK1):c.748G>A (p.Ala250Thr)

Gene: SHANK1 (SH3 and multiple ankyrin repeat domains 1; minus strand). Cytogenetic location: 19q13.33.
Variant type: single nucleotide variant.
Coding change: c.748G>A on transcript NM_016148.5 (MANE Select); coding-DNA position 748, G replaced by A.
Protein change: p.Ala250Thr; replaces alanine 250 with threonine.
Molecular consequence: missense variant.
Genome position (GRCh38, 1-based): chr19:50,713,842, C>T on the plus strand (G>A on the coding strand, the complement: SHANK1 is on the minus strand). VCF-style: chr19-50713842-C-T. GRCh37 (hg19) VCF-style: chr19-51217099-C-T.
Other names: short protein forms A250T.
Identifiers: ClinVar variation 4282296 (VCV004282296.1).

ClinVar aggregate classification (germline): Uncertain significance (1 of 4 stars; one submission).

Submission:

GeneDx
Classification: Uncertain significance. Last evaluated: 2025-04-16. Review status: criteria provided, single submitter. Criteria: GeneDx Variant Classification Process June 2021. Collection method: clinical testing. Allele origin: germline. Affected: yes.
Comment: Not observed at significant frequency in large population cohorts (gnomAD); In silico analysis supports that this missense variant has a deleterious effect on protein structure/function; Has not been previously published as pathogenic or benign to our knowledge